The following is an entry in ClinVar:

NM_001267550.2(TTN):c.99289+70C>G

Genes: TTN (titin; minus strand), TTN-AS1 (TTN antisense RNA 1; plus strand). Cytogenetic location: 2q31.2.
Variant type: single nucleotide variant.
Coding change: c.99289+70C>G on transcript NM_001267550.2 (MANE Select); 70 bases into the intron after coding-DNA position 99289, C replaced by G.
Molecular consequence: intron variant.
Genome position (GRCh38, 1-based): chr2:178,538,470, G>C on the plus strand (C>G on the coding strand, the complement: TTN is on the minus strand). VCF-style: chr2-178538470-G-C. GRCh37 (hg19) VCF-style: chr2-179403197-G-C.
Other names: c.72094+70C>G (NM_003319.4); c.72670+70C>G (NM_133437.4); c.72469+70C>G (NM_133432.3); c.91585+70C>G (NM_133378.4); c.94366+70C>G (NM_001256850.1).
Identifiers: ClinVar variation 673754 (VCV000673754.1), dbSNP rs79646543, ClinGen allele CA60963693.

ClinVar aggregate classification (germline): Likely benign (1 of 4 stars; one submission).

Allele frequency attached by ClinVar (database versions not stated): 1000 Genomes Project 30x 0.00718; gnomAD 0.00605; TOPMed 0.00624; 1000 Genomes Project 0.00639.
gnomAD v4.1: 1,657 of 1,451,060 alleles (0.11%); highest among the groups gnomAD compares: African/African-American, 2.1%; 17 homozygotes.

Submission:

GeneDx
Classification: Likely benign. Last evaluated: 2018-06-15. Review status: criteria provided, single submitter. Criteria: GeneDx Variant Classification (06012015). Collection method: clinical testing. Allele origin: germline. Affected: yes.
Comment: This variant is considered likely benign or benign based on one or more of the following criteria: it is a conservative change, it occurs at a poorly conserved position in the protein, it is predicted to be benign by multiple in silico algorithms, and/or has population frequency not consistent with disease.